The following is an entry in ClinVar:

NM_002890.3(RASA1):c.2755T>A (p.Ser919Thr)

Genes: CCNH (cyclin H; minus strand), RASA1 (RAS p21 protein activator 1; plus strand). Cytogenetic location: 5q14.3.
Variant type: single nucleotide variant.
Coding change: c.2755T>A on transcript NM_002890.3 (MANE Select); coding-DNA position 2755, T replaced by A.
Protein change: p.Ser919Thr; replaces serine 919 with threonine.
Molecular consequence: missense variant. On other transcripts: intron variant (1).
Genome position (GRCh38, 1-based): chr5:87,383,777, T>A. VCF-style: chr5-87383777-T-A. GRCh37 (hg19) VCF-style: chr5-86679594-T-A.
Other names: c.2224T>A, p.Ser742Thr (NM_022650.3); c.933+11267A>T (NM_001364075.2); short protein forms S742T, S919T.
Identifiers: ClinVar variation 4279908 (VCV004279908.1).

ClinVar aggregate classification (germline): Uncertain significance (1 of 4 stars; one submission).

Conditions:
Capillary malformation-arteriovenous malformation 1 (CMAVM1). Identifiers: Orphanet 137667, Orphanet 693907, MedGen C4747394, MONDO:0020783, OMIM 608354.

gnomAD v4.1: 1 of 1,608,646 alleles (0.000062%); highest among the groups gnomAD compares: Non-Finnish European, 0.000085%; no homozygotes.

Submission:

Clinical Genomics Laboratory, Washington University in St. Louis
Classification: Uncertain significance for Capillary malformation-arteriovenous malformation 1. Last evaluated: 2025-08-29. Review status: criteria provided, single submitter. Criteria: ACMG Guidelines, 2015. Collection method: clinical testing. Allele origin: germline.
Comment: A RASA1 c.2755T>A (p.Ser919Thr) variant was identified at a near heterozygous allelic fraction of 49.0%, a frequency which may be consistent with it being of germline origin. This variant, to our knowledge, has not been reported in the medical literature. It is only observed in 1/1,608,646 alleles in the general population (gnomAD v4.1.0), indicating it is not a common variant. Computational predictors indicate that the variant has no impact on the RASA1 function. Due to limited information, and based on ACMG/AMP guidelines for variant interpretation (Richards S et al., PMID: 25741868), the clinical significance of this variant is uncertain at this time.